The following is an entry in ClinVar:

NM_005732.4(RAD50):c.2060T>A (p.Val687Asp)

Gene: RAD50 (RAD50 double strand break repair protein; plus strand). Cytogenetic location: 5q31.1.
Variant type: single nucleotide variant.
Coding change: c.2060T>A on transcript NM_005732.4 (MANE Select); coding-DNA position 2060, T replaced by A.
Protein change: p.Val687Asp; replaces valine 687 with aspartic acid.
Molecular consequence: missense variant.
Genome position (GRCh38, 1-based): chr5:132,595,663, T>A. VCF-style: chr5-132595663-T-A. GRCh37 (hg19) VCF-style: chr5-131931355-T-A.
Other names: short protein forms V687D.
Identifiers: ClinVar variation 3942180 (VCV003942180.1).
Genomic context (GRCh38, chr5:132,595,663, plus strand): 5'-CCCAGTTCATTACTCAGCTAACAGACGAAAACCAGTCATGTTGCCCCGTTTGTCAGAGAG[T>A]TTTTCAGACAGAGGCTGAGTTACAAGAAGTCATCAGTGATTTGCAGTCTAAACTGCGACT-3'
Protein context (NP_005723.2, residues 677-697): NQSCCPVCQR[Val687Asp]FQTEAELQEV

ClinVar aggregate classification (germline): Uncertain significance (1 of 4 stars; one submission).

Conditions:
Hereditary cancer-predisposing syndrome. Also called: Tumor predisposition; Hereditary neoplastic syndrome; Hereditary Cancer Syndrome; Neoplastic Syndromes, Hereditary. Identifiers: Orphanet 140162, MedGen C0027672, MeSH D009386, MONDO:0015356.

Submission:

Ambry Genetics
Classification: Uncertain significance for Hereditary cancer-predisposing syndrome. Last evaluated: 2025-05-01. Review status: criteria provided, single submitter. Criteria: Ambry Variant Classification Scheme 2023. Collection method: clinical testing. Allele origin: germline.
Comment: The p.V687D variant (also known as c.2060T>A), located in coding exon 13 of the RAD50 gene, results from a T to A substitution at nucleotide position 2060. The valine at codon 687 is replaced by aspartic acid, an amino acid with highly dissimilar properties. This amino acid position is conserved. In addition, this alteration is predicted to be tolerated by in silico analysis. Based on the available evidence, the clinical significance of this variant remains unclear.